The following is an entry in ClinVar:

NM_144997.7(FLCN):c.1733G>A (p.Arg578Gln)

Gene: FLCN (folliculin; minus strand). Cytogenetic location: 17p11.2.
Variant type: single nucleotide variant.
Coding change: c.1733G>A on transcript NM_144997.7 (MANE Select); coding-DNA position 1733, G replaced by A.
Protein change: p.Arg578Gln; replaces arginine 578 with glutamine.
Molecular consequence: missense variant.
Genome position (GRCh38, 1-based): chr17:17,213,662, C>T on the plus strand (G>A on the coding strand, the complement: FLCN is on the minus strand). VCF-style: chr17-17213662-C-T. GRCh37 (hg19) VCF-style: chr17-17116976-C-T.
Other names: c.1787G>A, p.Arg596Gln (NM_001353229.2); c.1733G>A, p.Arg578Gln (NM_001353230.2, NM_001353231.2); short protein forms R578Q, R596Q.
Identifiers: ClinVar variation 819964 (VCV000819964.12), dbSNP rs1048214486, ClinGen allele CA288303478.
Genomic context (GRCh38, chr17:17,213,662, plus strand): 5'-TGGAGGATCCTGTGGACAGCCATCCCTGTCTTTAGGCAGGTGTGTGTGACGGGTCAGTTC[C>T]GAGACTCCGAGGCTGTGGGGCTGCGGACCGTGGACATGAGGTGTGACTTGTAGGTCTTGC-3'
Protein context (NP_659434.2, residues 568-579): TVRSPTASES[Arg578Gln]N

ClinVar aggregate classification (germline): Uncertain significance. Review status: criteria provided, multiple submitters, no conflicts (2 of 4 stars). 3 submissions from 3 submitters: Uncertain significance (3). Last evaluated 2025-01-11.

Conditions:
Birt-Hogg-Dube syndrome. Also called: Birt Hogg Dubé syndrome. Identifiers: Orphanet 122, MedGen C0346010, MONDO:0800444.
Nonpapillary renal cell carcinoma. Identifiers: Orphanet 422526, MedGen CN074294, MONDO:0007763, OMIM 144700.
17p11.2 microduplication syndrome (PTLS). Also called: CHROMOSOME 17p11.2 DUPLICATION SYNDROME; Potocki-Lupski syndrome; Duplication 17p11.2 syndrome; Potocki-Lupski syndrome (dup(17)(p11.2p11.2)). Identifiers: Orphanet 1713, MedGen C2931246, MONDO:0012574, OMIM 610883.
Familial spontaneous pneumothorax (PSP). Identifiers: Orphanet 2903, MedGen C1868193, MONDO:0008259, OMIM 173600.
Colorectal cancer. Also called: Malignant Colorectal Neoplasm; Colorectal cancer, somatic. Identifiers: MedGen C0346629, MONDO:0005575, OMIM 114500.
Hereditary cancer-predisposing syndrome. Also called: Hereditary Cancer Syndrome; Neoplastic Syndromes, Hereditary; Hereditary neoplastic syndrome; Tumor predisposition. Identifiers: Orphanet 140162, MedGen C0027672, MeSH D009386, MONDO:0015356.

Allele frequency attached by ClinVar (database versions not stated): gnomAD exomes below 0.00001.
gnomAD v4.1: 7 of 1,614,144 alleles (0.00043%); highest among the groups gnomAD compares: Middle Eastern, 0.016%; no homozygotes.

Submissions (3):

Labcorp Genetics (formerly Invitae), Labcorp
Classification: Uncertain significance for Birt-Hogg-Dube syndrome. Last evaluated: 2025-01-11. Review status: criteria provided, single submitter. Criteria: Invitae Variant Classification Sherloc (09022015). Collection method: clinical testing. Allele origin: germline.
Comment: This sequence change replaces arginine, which is basic and polar, with glutamine, which is neutral and polar, at codon 578 of the FLCN protein (p.Arg578Gln). This variant is present in population databases (no rsID available, gnomAD 0.0009%). This variant has not been reported in the literature in individuals affected with FLCN-related conditions. ClinVar contains an entry for this variant (Variation ID: 819964). An algorithm developed to predict the effect of missense changes on protein structure and function (PolyPhen-2) suggests that this variant is likely to be disruptive. In summary, the available evidence is currently insufficient to determine the role of this variant in disease. Therefore, it has been classified as a Variant of Uncertain Significance.

Ambry Genetics
Classification: Uncertain significance for Hereditary cancer-predisposing syndrome. Last evaluated: 2024-07-11. Review status: criteria provided, single submitter. Criteria: Ambry Variant Classification Scheme 2023. Collection method: clinical testing. Allele origin: germline.
Comment: The p.R578Q variant (also known as c.1733G>A), located in coding exon 11 of the FLCN gene, results from a G to A substitution at nucleotide position 1733. The arginine at codon 578 is replaced by glutamine, an amino acid with highly similar properties. This amino acid position is highly conserved in available vertebrate species. In addition, the in silico prediction for this alteration is inconclusive. Since supporting evidence is limited at this time, the clinical significance of this alteration remains unclear.

Fulgent Genetics
Classification: Uncertain significance for Colorectal cancer; Birt-Hogg-Dube syndrome 1; Nonpapillary renal cell carcinoma; Familial spontaneous pneumothorax; 17p11.2 microduplication syndrome. Last evaluated: 2021-08-27. Review status: criteria provided, single submitter. Criteria: ACMG Guidelines, 2015. Collection method: clinical testing. Allele origin: unknown.